The following is an entry in ClinVar:

NM_032119.4(ADGRV1):c.12528-1G>A

Gene: ADGRV1 (adhesion G protein-coupled receptor V1; plus strand). Cytogenetic location: 5q14.3.
Variant type: single nucleotide variant.
Coding change: c.12528-1G>A on transcript NM_032119.4 (MANE Select); the canonical splice acceptor site of the intron before coding-DNA position 12528, G replaced by A.
Molecular consequence: splice acceptor variant.
Genome position (GRCh38, 1-based): chr5:90,777,904, G>A. VCF-style: chr5-90777904-G-A. GRCh37 (hg19) VCF-style: chr5-90073721-G-A.
Identifiers: ClinVar variation 4983555 (VCV004983555.1).

ClinVar aggregate classification (germline): Likely pathogenic (1 of 4 stars; one submission).

Conditions:
ADGRV1-related disorder. Also called: ADGRV1-related disorders; ADGRV1-related condition.

gnomAD v4.1: 1 of 1,608,904 alleles (0.000062%); highest among the groups gnomAD compares: Non-Finnish European, 0.000085%; no homozygotes.

Submission:

PreventionGenetics, part of Exact Sciences
Classification: Likely pathogenic for ADGRV1-related condition. Last evaluated: 2026-01-07. Review status: criteria provided, single submitter. Criteria: ACMG Guidelines, 2015. Collection method: clinical testing. Allele origin: germline.
Comment: The ADGRV1 c.12528-1G>A variant is predicted to disrupt the AG splice acceptor site and interfere with normal splicing. To our knowledge, this variant has not been reported in the literature or in a large population database (gnomAD), indicating this variant is rare. Alternative variant at the same splice site c.12528-1G>T has been observed in homozygous state and together with second ADGRV1 variant in individuals with Usher syndrome (García-García et al. 2013. PubMed ID: 23441107; García-García et al. 2020. PubMed ID: 33297549). Variants that disrupt the consensus splice acceptor site in ADGRV1 are expected to be pathogenic. This variant is interpreted as likely pathogenic.